The following is an entry in ClinVar:

NM_020066.5(FMN2):c.3205C>T (p.Leu1069=)

Gene: FMN2 (formin 2; plus strand). Cytogenetic location: 1q43.
Variant type: single nucleotide variant.
Coding change: c.3205C>T on transcript NM_020066.5 (MANE Select); coding-DNA position 3205, C replaced by T.
Protein change: p.Leu1069=; no amino-acid change (leucine 1069 retained).
Molecular consequence: synonymous variant. On other transcripts: intron variant (1).
Genome position (GRCh38, 1-based): chr1:240,208,017, C>T. VCF-style: chr1-240208017-C-T. GRCh37 (hg19) VCF-style: chr1-240371317-C-T.
Other names: c.3217C>T, p.Leu1073= (NM_001305424.2); c.1986+19755C>T (NM_001348094.2).
Identifiers: ClinVar variation 3389022 (VCV003389022.14).
Genomic context (GRCh38, chr1:240,208,017, plus strand): 5'-GGAGCGGGCATACCCCCTCCTCCCCCTCTTCCCGGAGCGGGCATACCTCCTCCACCCCCT[C>T]TACCCGGAGCGGGCATACCCCCTCCGCCCCCACTTCCCGGAGCGGGCATACCCCCACCTC-3'
Protein context (NP_064450.3, residues 1059-1079): PGAGIPPPPP[Leu1069=]PGAGIPPPPP

ClinVar aggregate classification (germline): Likely benign (1 of 4 stars; one submission).

Submission:

CeGaT Center for Human Genetics Tuebingen
Classification: Likely benign. Last evaluated: 2024-10-01. Review status: criteria provided, single submitter. Criteria: CeGaT Center For Human Genetics Tuebingen Variant Classification Criteria Version 2. Collection method: clinical testing. Allele origin: germline. Affected: yes. Observed: 1 variant allele.
Comment: FMN2: PM2:Supporting, BP4, BP7